The following is an entry in ClinVar:

ClinVar aggregate classification (germline): Uncertain significance. Review status: criteria provided, multiple submitters, no conflicts (2 of 4 stars). 2 submissions from 2 submitters: Uncertain significance (2). Last evaluated 2025-10-06.

Conditions:
Inborn genetic diseases. Identifiers: MedGen C0950123, MeSH D030342.

Allele frequency attached by ClinVar (database versions not stated): gnomAD exomes below 0.00001; gnomAD 0.00003 and 0.00004; TOPMed 0.00007.
gnomAD v4.1: 8 of 1,613,610 alleles (0.0005%); highest among the groups gnomAD compares: Admixed American, 0.01%; no homozygotes.

Submissions (2):

Labcorp Genetics (formerly Invitae), Labcorp
Classification: Uncertain significance. Last evaluated: 2025-10-06. Review status: criteria provided, single submitter. Criteria: Invitae Variant Classification Sherloc (09022015). Collection method: clinical testing. Allele origin: germline.
Comment: This sequence change replaces glycine, which is neutral and non-polar, with alanine, which is neutral and non-polar, at codon 1001 of the NLRP1 protein (p.Gly1001Ala). This variant is not present in population databases (gnomAD no frequency). This variant has not been reported in the literature in individuals affected with NLRP1-related conditions. ClinVar contains an entry for this variant (Variation ID: 1437262). An algorithm developed to predict the effect of missense changes on protein structure and function outputs the following: PolyPhen-2: "Benign". The alanine amino acid residue is found in multiple mammalian species, which suggests that this missense change does not adversely affect protein function. In summary, the available evidence is currently insufficient to determine the role of this variant in disease. Therefore, it has been classified as a Variant of Uncertain Significance.

Ambry Genetics
Classification: Uncertain significance for Inborn genetic diseases. Last evaluated: 2024-01-04. Review status: criteria provided, single submitter. Criteria: Ambry Variant Classification Scheme 2023. Collection method: clinical testing. Allele origin: germline.

NM_033004.4(NLRP1):c.3002G>C (p.Gly1001Ala)

Gene: NLRP1 (NLR family pyrin domain containing 1; minus strand). Cytogenetic location: 17p13.2.
Variant type: single nucleotide variant.
Coding change: c.3002G>C on transcript NM_033004.4 (MANE Select); coding-DNA position 3002, G replaced by C.
Protein change: p.Gly1001Ala; replaces glycine 1001 with alanine.
Molecular consequence: missense variant.
Genome position (GRCh38, 1-based): chr17:5,533,947, C>G on the plus strand (G>C on the coding strand, the complement: NLRP1 is on the minus strand). VCF-style: chr17-5533947-C-G. GRCh37 (hg19) VCF-style: chr17-5437267-C-G.
Other names: c.3002G>C, p.Gly1001Ala (NM_001033053.3, NM_014922.5); c.2912G>C, p.Gly971Ala (NM_033006.4, NM_033007.4); c.3002G>C (NM_033004.3); short protein forms G1001A, G971A.
Identifiers: ClinVar variation 1437262 (VCV001437262.9), dbSNP rs994779944, ClinGen allele CA287287527.